The following is an entry in ClinVar:

ClinVar aggregate classification (germline): Likely pathogenic. Review status: criteria provided, multiple submitters, no conflicts (2 of 4 stars). 9 submissions from 9 submitters: Likely pathogenic (3). 6 of the submissions do not count toward it. Last evaluated 2025-11-06.

Conditions:
Inherited breast cancer and ovarian cancer.
Breast and/or ovarian cancer. Identifiers: MedGen CN221562.
Hereditary breast ovarian cancer syndrome. Also called: Hereditary breast and ovarian cancer syndrome (HBOC); Hereditary breast and ovarian cancer syndrome; Hereditary breast and ovarian cancer; Hereditary breast and/or ovarian cancer syndrome; Breast and ovarian cancer; BRCA1- and BRCA2-Associated Hereditary Breast and Ovarian Cancer. Identifiers: Orphanet 145, MedGen C0677776, MeSH D061325, MONDO:0003582. Disease mechanism: loss of function.
Breast-ovarian cancer, familial, susceptibility to, 1 (BROVCA1). Also called: OVARIAN CANCER, SUSCEPTIBILITY TO; BRCA1 Hereditary Breast and Ovarian Cancer. Identifiers: Orphanet 145, MedGen C2676676, MONDO:0011450, OMIM 604370. Disease mechanism: loss of function.

Submissions (10):

Genetics Laboratory, Great Ormond Street Hospital NHS Foundation Trust, North Thames Genomic Laboratory Hub
Classification: Likely pathogenic for Inherited breast cancer and ovarian cancer. Last evaluated: 2025-11-06. Review status: criteria provided, single submitter. Criteria: CanVIG BRCA Gene Specific V1.22. Collection method: clinical testing. Allele origin: germline. Affected: yes.
Comment: PM2_moderate, PP3_supporting, PS3_strong

Labcorp Genetics (formerly Invitae), Labcorp
Classification: Likely pathogenic for Hereditary breast ovarian cancer syndrome. Last evaluated: 2025-07-06. Review status: criteria provided, single submitter. Criteria: Invitae Variant Classification Sherloc (09022015). Collection method: clinical testing. Allele origin: germline.
Comment: This sequence change replaces serine, which is neutral and polar, with arginine, which is basic and polar, at codon 1841 of the BRCA1 protein (p.Ser1841Arg). This variant is not present in population databases (gnomAD no frequency). This missense change has been observed in individual(s) with breast and/or ovarian cancer (PMID: 23522120, 32885271). It has also been observed to segregate with disease in related individuals. ClinVar contains an entry for this variant (Variation ID: 37681). Invitae Evidence Modeling incorporating data from in vitro experimental studies (PMID: 30209399) indicates that this missense variant is expected to disrupt BRCA1 function with a positive predictive value of 95%. Experimental studies have shown that this missense change affects BRCA1 function (PMID: 20516115, 30209399). In summary, the currently available evidence indicates that the variant is pathogenic, but additional data are needed to prove that conclusively. Therefore, this variant has been classified as Likely Pathogenic.

Clinical Genetics Laboratory, Skane University Hospital Lund
Classification: Likely pathogenic. Last evaluated: 2023-04-14. Review status: criteria provided, single submitter. Criteria: ACMG Guidelines, 2015. Collection method: clinical testing. Allele origin: germline. Affected: yes.

BRCAlab, Lund University
Classification: Likely pathogenic for Breast-ovarian cancer, familial, susceptibility to, 1. Last evaluated: 2024-01-17. Review status: no assertion criteria provided. Collection method: clinical testing. Allele origin: germline. Affected: yes. Not counted in ClinVar's aggregate classification.

Research Molecular Genetics Laboratory, Women's College Hospital, University of Toronto
Classification: Uncertain significance. Last evaluated: 2014-01-31. Review status: no assertion criteria provided. Collection method: research. Allele origin: germline. Affected: yes. Study: The Canadian Open Genetics Repository (COGR). Not counted in ClinVar's aggregate classification.

Sharing Clinical Reports Project (SCRP)
Classification: Uncertain significance for Breast-ovarian cancer, familial 1. Last evaluated: 2010-05-21. Review status: no assertion criteria provided. Collection method: clinical testing. Allele origin: germline. Not counted in ClinVar's aggregate classification.

Breast Cancer Information Core (BIC) (BRCA1)
Classification: Uncertain significance for Breast-ovarian cancer, familial 1. Last evaluated: 2004-11-25. Review status: no assertion criteria provided. Collection method: clinical testing. Allele origin: germline. Affected: yes. Observed: 2 variant alleles. Not counted in ClinVar's aggregate classification.

Brotman Baty Institute, University of Washington
No classification provided (evidence only). Condition: Breast-ovarian cancer, familial 1. Review status: no classification provided. Collection method: in vitro. Allele origin: not applicable. Functional consequence: functionally_abnormal. Not counted in ClinVar's aggregate classification.
ClinVar note: "not provided" was previously submitted as the classification for the variant. However, the classification appeared to be based only on an observation of functional data so it was converted to no classification on 2025-07-30.

Department of Pathology and Laboratory Medicine, Sinai Health System
Classification: Likely pathogenic. Review status: no assertion criteria provided. Collection method: clinical testing. Allele origin: unknown. Affected: yes. Study: The Canadian Open Genetics Repository (COGR). Not counted in ClinVar's aggregate classification.
Comment: The BRCA1 p.Ser1841Arg variant was identified in the literature however the frequency of this variant in an affected population was not provided. The variant was identified in dbSNP (rs80357299) as â€šÃ„Ãºwith likely pathogenic alleleâ€šÃ„Ã¹, ClinVar (classified as uncertain significance by BIC, SCRP and Women's College Hospital and likely pathogenic by Lady Davis Institute for Medical Research) and LOVD 3.0 (observed 1x). The variant was not identified in UMD-LSDB. The variant was not identified in the following control databases: the Exome Aggregation Consortium (August 8th 2016), or the Genome Aggregation Database (Feb 27, 2017). In vitro expression of the variant had a demonstrable effect on BRCA1 protein folding, binding and transactivational activity (Lee 2010). Additionally, the variant co-segregated with disease in a family; it was identified in a patient with ovarian cancer, and segregated in 3 family members, including one prostate cancer and two breast cancer cases (Zhang 2013). The p.Ser1841 residue is conserved across mammals and other organisms, and four out of five computational analyses (PolyPhen-2, SIFT, AlignGVGD, BLOSUM, MutationTaster) suggest that the variant may impact the protein; however, this information is not predictive enough to assume pathogenicity. The variant occurs outside of the splicing consensus sequence and in silico or computational prediction software programs (SpliceSiteFinder, MaxEntScan, NNSPLICE, GeneSplicer) do not predict a difference in splicing. In summary, based on the above information the clinical significance of this variant cannot be determined with certainty at this time although we would lean towards a more pathogenic role for this variant. This variant is classified as likely pathogenic.

Foulkes Cancer Genetics LDI, Lady Davis Institute for Medical Research
Classification: Likely pathogenic for Breast and/or ovarian cancer. Review status: no assertion criteria provided. Collection method: clinical testing. Allele origin: germline. Study: The Canadian Open Genetics Repository (COGR). Not counted in ClinVar's aggregate classification.

Literature cited by the submitters: PubMed 23522120 (cited by Labcorp Genetics (formerly Invitae), Labcorp); PubMed 32885271 (cited by Labcorp Genetics (formerly Invitae), Labcorp); PubMed 30209399 (cited by Labcorp Genetics (formerly Invitae), Labcorp); PubMed 20516115 (cited by Labcorp Genetics (formerly Invitae), Labcorp).

NM_007294.4(BRCA1):c.5521A>C (p.Ser1841Arg)

Gene: BRCA1 (BRCA1 DNA repair associated; minus strand). Cytogenetic location: 17q21.31.
Variant type: single nucleotide variant.
Coding change: c.5521A>C on transcript NM_007294.4 (MANE Select); coding-DNA position 5521, A replaced by C.
Protein change: p.Ser1841Arg; replaces serine 1841 with arginine.
Molecular consequence: missense variant. On other transcripts: 3 prime UTR variant (1), non-coding transcript variant (1).
Genome position (GRCh38, 1-based): chr17:43,045,749, T>G on the plus strand (A>C on the coding strand, the complement: BRCA1 is on the minus strand). VCF-style: chr17-43045749-T-G. GRCh37 (hg19) VCF-style: chr17-41197766-T-G.
Other names: 5640A>C; c.5374A>C, p.Ser1792Arg (NM_001407848.1, NM_001407849.1, NM_001407850.1 and 12 more transcripts); c.*35A>C (NM_001407854.1, NM_001407858.1, NM_001407859.1 and 14 more transcripts); c.5320A>C, p.Ser1774Arg (NM_001407862.1); c.5317A>C, p.Ser1773Arg (NM_001407863.1); c.5314A>C, p.Ser1772Arg (NM_001407874.1, NM_001407875.1); c.5311A>C, p.Ser1771Arg (NM_001407879.1, NM_001407881.1, NM_001407882.1 and 5 more transcripts); c.5308A>C, p.Ser1770Arg (NM_001407894.1, NM_001407895.1, NM_001407896.1 and 12 more transcripts); and 75 more; short protein forms S1841R, S1862R, S737R, S1794R, S1544R, S1687R, S1714R, S1770R.
Identifiers: ClinVar variation 37681 (VCV000037681.13), dbSNP rs80357299, ClinGen allele CA003694.